The following is an entry in ClinVar:

ClinVar aggregate classification (germline): Benign. Review status: criteria provided, multiple submitters, no conflicts (2 of 4 stars). 9 submissions from 9 submitters: Benign (7). 2 of the submissions do not count toward it. Last evaluated 2026-02-04.

Conditions:
Nemaline myopathy 2 (NEM2). Also called: Nemaline myopathy 2, autosomal recessive. Identifiers: MedGen C1850569, MONDO:0009725, OMIM 256030.

Allele frequency attached by ClinVar (database versions not stated): gnomAD exomes 0.01297 and 0.02952; TOPMed 0.04578; 1000 Genomes Project 30x 0.08307; ExAC 0.03220; ESP Exome Variant Server 0.03650; gnomAD 0.04050 and 0.04228; 1000 Genomes Project 0.08407.
gnomAD v4.1: 26,217 of 1,613,128 alleles (1.6%); highest among the groups gnomAD compares: East Asian, 14%; 1,327 homozygotes.

Submissions (9):

Labcorp Genetics (formerly Invitae), Labcorp
Classification: Benign for Nemaline myopathy 2. Last evaluated: 2026-02-04. Review status: criteria provided, single submitter. Criteria: Invitae Variant Classification Sherloc (09022015). Collection method: clinical testing. Allele origin: germline.

Illumina Laboratory Services, Illumina
Classification: Benign for Nemaline myopathy 2. Last evaluated: 2018-01-13. Review status: criteria provided, single submitter. Criteria: ICSL Variant Classification Criteria 13 December 2019. Collection method: clinical testing. Allele origin: germline.
Comment: This variant was observed in the ICSL laboratory as part of a predisposition screen in an ostensibly healthy population. It had not been previously curated by ICSL or reported in the Human Gene Mutation Database (HGMD: prior to June 1st, 2018), and was therefore a candidate for classification through an automated scoring system. Utilizing variant allele frequency, disease prevalence and penetrance estimates, and inheritance mode, an automated score was calculated to assess if this variant is too frequent to cause the disease. Based on the score and internal cut-off values, a variant classified as benign is not then subjected to further curation. The score for this variant resulted in a classification of benign for this disease.

Mayo Clinic Laboratories, Mayo Clinic
Classification: Benign. Last evaluated: 2017-10-11. Review status: criteria provided, single submitter. Criteria: ACMG Guidelines, 2015. Collection method: clinical testing. Allele origin: germline. Observed: 22 variant alleles.

GeneDx
Classification: Benign. Last evaluated: 2016-03-14. Review status: criteria provided, single submitter. Criteria: GeneDx Variant Classification (06012015). Collection method: clinical testing. Allele origin: germline. Affected: yes.
Comment: This variant is considered likely benign or benign based on one or more of the following criteria: it is a conservative change, it occurs at a poorly conserved position in the protein, it is predicted to be benign by multiple in silico algorithms, and/or has population frequency not consistent with disease.

Laboratory for Molecular Medicine, Mass General Brigham Personalized Medicine
Classification: Benign. Last evaluated: 2014-11-26. Review status: criteria provided, single submitter. Criteria: LMM Criteria. Collection method: clinical testing. Allele origin: germline. Observed: 1 variant allele.
Comment: p.Gly6866Gly in exon 136 of NEB: This variant is not expected to have clinical s ignificance because it has been identified in 10.7% (421/3922) of African Americ an chromosomes by the NHLBI Exome Sequencing Project (du/EVS/; dbSNP rs16830192).

Breakthrough Genomics
Classification: Benign. Review status: criteria provided, single submitter. Criteria: ACMG Guidelines, 2015. Collection method: not provided. Allele origin: germline. Inheritance: Autosomal recessive inheritance. Affected: yes.

PreventionGenetics, part of Exact Sciences
Classification: Benign. Review status: criteria provided, single submitter. Criteria: ACMG Guidelines, 2015. Collection method: clinical testing. Allele origin: germline.

Natera, Inc.
Classification: Benign for Nemaline myopathy type 2. Last evaluated: 2020-09-16. Review status: no assertion criteria provided. Collection method: clinical testing. Allele origin: germline. Not counted in ClinVar's aggregate classification.

Genetic Services Laboratory, University of Chicago
Classification: Likely benign for AllHighlyPenetrant. Review status: no assertion criteria provided. Collection method: clinical testing. Allele origin: germline. Inheritance: Autosomal recessive inheritance. Not counted in ClinVar's aggregate classification.
Comment: Likely benign based on allele frequency in 1000 Genomes Project or ESP global frequency and its presence in a patient with a rare or unrelated disease phenotype. NOT Sanger confirmed.

NM_001164508.2(NEB):c.20598C>G (p.Gly6866=)

Gene: NEB (nebulin; minus strand). Cytogenetic location: 2q23.3.
Variant type: single nucleotide variant.
Coding change: c.20598C>G on transcript NM_001164508.2 (MANE Select); coding-DNA position 20598, C replaced by G.
Protein change: p.Gly6866=; no amino-acid change (glycine 6866 retained).
Molecular consequence: synonymous variant.
Genome position (GRCh38, 1-based): chr2:151,541,531, G>C on the plus strand (C>G on the coding strand, the complement: NEB is on the minus strand). VCF-style: chr2-151541531-G-C. GRCh37 (hg19) VCF-style: chr2-152398045-G-C.
Other names: p.Gly6866=; c.20598C>G, p.Gly6866= (NM_001164507.2, NM_001271208.2); c.15495C>G, p.Gly5165= (NM_004543.5).
Identifiers: ClinVar variation 129722 (VCV000129722.27), dbSNP rs16830192, ClinGen allele CA153927.